The following is an entry in ClinVar:

NM_000038.6(APC):c.6522T>G (p.Ser2174Arg)

Gene: APC (APC regulator of Wnt signaling pathway; plus strand). Cytogenetic location: 5q22.2.
Variant type: single nucleotide variant.
Coding change: c.6522T>G on transcript NM_000038.6 (MANE Select); coding-DNA position 6522, T replaced by G.
Protein change: p.Ser2174Arg; replaces serine 2174 with arginine.
Molecular consequence: missense variant.
Genome position (GRCh38, 1-based): chr5:112,842,116, T>G. VCF-style: chr5-112842116-T-G. GRCh37 (hg19) VCF-style: chr5-112177813-T-G.
Other names: c.6522T>G, p.Ser2174Arg (NM_001127510.3, NM_001354895.2, NM_001407450.1); c.6468T>G, p.Ser2156Arg (NM_001127511.3); c.6576T>G, p.Ser2192Arg (NM_001354896.2, NM_001407447.1, NM_001407448.1 and 1 more transcripts); c.6552T>G, p.Ser2184Arg (NM_001354897.2); c.6447T>G, p.Ser2149Arg (NM_001354898.2); c.6438T>G, p.Ser2146Arg (NM_001354899.2); c.6399T>G, p.Ser2133Arg (NM_001354900.2); c.6345T>G, p.Ser2115Arg (NM_001354901.2, NM_001407453.1); and 11 more; short protein forms S1790R, S2048R, S2115R, S2149R, S2184R, S1891R, S2014R, S2091R.
Identifiers: ClinVar variation 1754042 (VCV001754042.2), dbSNP rs370781162, ClinGen allele CA16035599.

ClinVar aggregate classification (germline): Uncertain significance (1 of 4 stars; one submission).

Conditions:
Hereditary cancer-predisposing syndrome. Also called: Neoplastic Syndromes, Hereditary; Tumor predisposition; Hereditary Cancer Syndrome; Hereditary neoplastic syndrome. Identifiers: Orphanet 140162, MedGen C0027672, MeSH D009386, MONDO:0015356.

Submission:

Ambry Genetics
Classification: Uncertain significance for Hereditary cancer-predisposing syndrome. Last evaluated: 2022-07-25. Review status: criteria provided, single submitter. Criteria: Ambry Variant Classification Scheme 2023. Collection method: clinical testing. Allele origin: germline.
Comment: The p.S2174R variant (also known as c.6522T>G), located in coding exon 15 of the APC gene, results from a T to G substitution at nucleotide position 6522. The serine at codon 2174 is replaced by arginine, an amino acid with dissimilar properties. This amino acid position is well conserved in available vertebrate species. In addition, in silico predictors for this gene do not accurately predict pathogenicity. Since supporting evidence is limited at this time, the clinical significance of this alteration remains unclear.